The following is an entry in ClinVar:

NM_001267550.2(TTN):c.52223_52227dup (p.Asp17410fs)

Genes: TTN (titin; minus strand), TTN-AS1 (TTN antisense RNA 1; plus strand). Cytogenetic location: 2q31.2.
Variant type: Duplication.
Coding change: c.52223_52227dup on transcript NM_001267550.2 (MANE Select); coding-DNA positions 52223 to 52227, 5 bases duplicated (AGAAA; older notation c.52223_52227dupAGAAA).
Protein change: p.Asp17410fs; shifts the reading frame from aspartic acid 17410.
Molecular consequence: frameshift variant.
Genome position (GRCh38, 1-based): chr2:178,608,784-178,608,788, TTTCT duplicated on the plus strand (AGAAA on the coding strand, the reverse complement: TTN is on the minus strand); duplicating any 5 consecutive bases within chr2:178,608,784-178,608,792 gives the same sequence; the c. name uses the placement nearest the transcript's 3' end. VCF-style (leftmost placement, unchanged base first): chr2-178608783-C-CTTTCT. GRCh37 (hg19) VCF-style: chr2-179473510-C-CTTTCT.
Other names: c.47300_47304dup, p.Asp15769fs (NM_001256850.1); c.25028_25032dup, p.Asp8345fs (NM_003319.4); c.44519_44523dup, p.Asp14842fs (NM_133378.4); c.25403_25407dup, p.Asp8470fs (NM_133432.3); c.25604_25608dup, p.Asp8537fs (NM_133437.4); c.52223_52227dupAGAAA (LRG_391t1); short protein forms D14842fs, D8537fs, D15769fs, D17410fs, D8470fs, D8345fs.
Identifiers: ClinVar variation 223281 (VCV000223281.1), dbSNP rs869312050, ClinGen allele CA353390.
Genomic context (GRCh38, chr2:178,608,783, plus strand): 5'-ATTTGCAATGTCTAAGTGTTGAAGTGACAACAATCCATTCTGAGTCGGGTTTTGTCTTGT[C>CTTTCT]TTTCTTTTCCAAAGTGTAGTTTATGATTTCACTGCCACCATCATCAAGGGGTGGTTCCCA-3'

ClinVar aggregate classification (germline): Likely pathogenic (1 of 4 stars; one submission).

Conditions:
Primary dilated cardiomyopathy (DCM). Also called: Dilated Cardiomyopathy. Identifiers: Orphanet 217604, MedGen C0007193, MeSH D002311, MONDO:0005021, HP:0001644. Inheritance: Various modes of inheritance.

Submission:

Cardiovascular Biomedical Research Unit, Royal Brompton & Harefield NHS Foundation Trust
Classification: Likely pathogenic for Primary dilated cardiomyopathy. Last evaluated: 2014-10-08. Review status: criteria provided, single submitter. Criteria: Roberts et al. 2015. Collection method: research. Allele origin: germline. Inheritance: Autosomal dominant inheritance. Affected: yes. Observed: 1 variant allele. Study: Unselected DCM.
Comment: In the seven cohorts assessed, TTNtv were found in 14% of ambulant DCM, 22% end-stage or familial DCM, and 2% controls. Heterozygous nonsense, frameshift and canonical splice-disrupting variants found in constitutive and other highly utilised exons are highly likely to be pathogenic when identified in individuals with phenotypically confirmed DCM. TTNtv found incidentally in healthy individuals (excluding familial assessment of DCM relatives) are thought to have low penetrance, particularly when identified in exons that are not constitutively expressed in the heart.